The following is an entry in ClinVar:

ClinVar aggregate classification (germline): Uncertain significance. Review status: criteria provided, single submitter (1 of 4 stars). 2 submissions from 2 submitters: Uncertain significance (1). 1 of the submissions does not count toward it. Last evaluated 2024-11-25.

Conditions:
DNAH7-related disorder. Also called: DNAH7-related condition.

Allele frequency attached by ClinVar (database versions not stated): 1000 Genomes Project 30x 0.00047; 1000 Genomes Project 0.00060; ExAC 0.00106; gnomAD 0.00133; ESP Exome Variant Server 0.00135.
gnomAD v4.1: 3,446 of 1,611,876 alleles (0.21%); highest among the groups gnomAD compares: Non-Finnish European, 0.27%; 5 homozygotes.

Submissions (2):

Ambry Genetics
Classification: Uncertain significance. Last evaluated: 2024-11-25. Review status: criteria provided, single submitter. Criteria: Ambry Variant Classification Scheme 2023. Collection method: clinical testing. Allele origin: germline.

PreventionGenetics, part of Exact Sciences
Classification: Likely benign for DNAH7-related condition. Last evaluated: 2023-01-17. Review status: no assertion criteria provided. Collection method: clinical testing. Allele origin: germline. Not counted in ClinVar's aggregate classification.
Comment: This variant is classified as likely benign based on ACMG/AMP sequence variant interpretation guidelines (Richards et al. 2015 PMID: 25741868, with internal and published modifications).

NM_018897.3(DNAH7):c.455C>T (p.Pro152Leu)

Gene: DNAH7 (dynein axonemal heavy chain 7; minus strand). Cytogenetic location: 2q32.3.
Variant type: single nucleotide variant.
Coding change: c.455C>T on transcript NM_018897.3 (MANE Select); coding-DNA position 455, C replaced by T.
Protein change: p.Pro152Leu; replaces proline 152 with leucine.
Molecular consequence: missense variant.
Genome position (GRCh38, 1-based): chr2:196,027,991, G>A on the plus strand (C>T on the coding strand, the complement: DNAH7 is on the minus strand). VCF-style: chr2-196027991-G-A. GRCh37 (hg19) VCF-style: chr2-196892715-G-A.
Other names: short protein forms P152L.
Identifiers: ClinVar variation 3044494 (VCV003044494.4), dbSNP rs181700830, ClinGen allele CA2036979.
Genomic context (GRCh38, chr2:196,027,991, plus strand): 5'-TTATACAGACAAAACAAATGGCCAGTTACCAAGATGTCTTTCTCTATAGCAGAAGCGGTC[G>A]GTTTTGGAATTGTGCTTCCATCAGGGACAGCTGAGTCTAAGTCAGCATCTTGTTGCCTAA-3'
Protein context (NP_061720.2, residues 142-162): AVPDGSTIPK[Pro152Leu]TASAIEKDIL